The following is an entry in ClinVar:

ClinVar aggregate classification (germline): Uncertain significance (1 of 4 stars; one submission).

Conditions:
Birt-Hogg-Dube syndrome. Also called: Birt Hogg Dubé syndrome. Identifiers: Orphanet 122, MedGen C0346010, MONDO:0800444.

Submission:

Labcorp Genetics (formerly Invitae), Labcorp
Classification: Uncertain significance for Birt-Hogg-Dube syndrome. Last evaluated: 2023-06-16. Review status: criteria provided, single submitter. Criteria: Invitae Variant Classification Sherloc (09022015). Collection method: clinical testing. Allele origin: germline.
Comment: This variant has not been reported in the literature in individuals affected with FLCN-related conditions. In summary, the available evidence is currently insufficient to determine the role of this variant in disease. Therefore, it has been classified as a Variant of Uncertain Significance. Advanced modeling of protein sequence and biophysical properties (such as structural, functional, and spatial information, amino acid conservation, physicochemical variation, residue mobility, and thermodynamic stability) performed at Invitae indicates that this missense variant is not expected to disrupt FLCN protein function. This variant is not present in population databases (gnomAD no frequency). This sequence change replaces histidine, which is basic and polar, with asparagine, which is neutral and polar, at codon 442 of the FLCN protein (p.His442Asn).

NM_144997.7(FLCN):c.1324C>A (p.His442Asn)

Gene: FLCN (folliculin; minus strand). Cytogenetic location: 17p11.2.
Variant type: single nucleotide variant.
Coding change: c.1324C>A on transcript NM_144997.7 (MANE Select); coding-DNA position 1324, C replaced by A.
Protein change: p.His442Asn; replaces histidine 442 with asparagine.
Molecular consequence: missense variant.
Genome position (GRCh38, 1-based): chr17:17,215,293, G>T on the plus strand (C>A on the coding strand, the complement: FLCN is on the minus strand). VCF-style: chr17-17215293-G-T. GRCh37 (hg19) VCF-style: chr17-17118607-G-T.
Other names: c.1378C>A, p.His460Asn (NM_001353229.2); c.1324C>A, p.His442Asn (NM_001353230.2, NM_001353231.2); short protein forms H460N, H442N.
Identifiers: ClinVar variation 2718024 (VCV002718024.3), dbSNP rs2544148408, ClinGen allele CA398531466.